The following is an entry in ClinVar:

NM_000256.3(MYBPC3):c.803T>C (p.Leu268Pro)

Gene: MYBPC3 (myosin binding protein C3; minus strand). Cytogenetic location: 11p11.2.
Variant type: single nucleotide variant.
Coding change: c.803T>C on transcript NM_000256.3 (MANE Select); coding-DNA position 803, T replaced by C.
Protein change: p.Leu268Pro; replaces leucine 268 with proline.
Molecular consequence: missense variant.
Genome position (GRCh38, 1-based): chr11:47,347,875, A>G on the plus strand (T>C on the coding strand, the complement: MYBPC3 is on the minus strand). VCF-style: chr11-47347875-A-G. GRCh37 (hg19) VCF-style: chr11-47369426-A-G.
Other names: short protein forms L268P.
Identifiers: ClinVar variation 3614373 (VCV003614373.3).
Genomic context (GRCh38, chr11:47,347,875, plus strand): 5'-TCCAGCACTGGCCTCCCCCAGGCCCTGAGGATGGCCACTCACGTGCGGCGGAAGGCTGAT[A>G]GGAGGTCCAGGTCTCCGGTGCCCATGGCCTCTGGGTTCAAAGGGTGGAGAGATGGGGGAA-3'
Protein context (NP_000247.2, residues 258-278): EAMGTGDLDL[Leu268Pro]SAFRRTSLAG

ClinVar aggregate classification (germline): Uncertain significance. Review status: criteria provided, multiple submitters, no conflicts (2 of 4 stars). 2 submissions from 2 submitters: Uncertain significance (2). Last evaluated 2025-07-22.

Conditions:
Cardiovascular phenotype. Identifiers: MedGen CN230736.
Hypertrophic cardiomyopathy. Also called: HYPERTROPHIC MYOCARDIOPATHY. Identifiers: Orphanet 217569, MedGen C0007194, MeSH D002312, MONDO:0005045, HP:0001639.

Submissions (2):

Labcorp Genetics (formerly Invitae), Labcorp
Classification: Uncertain significance for Hypertrophic cardiomyopathy. Last evaluated: 2025-07-22. Review status: criteria provided, single submitter. Criteria: Invitae Variant Classification Sherloc (09022015). Collection method: clinical testing. Allele origin: germline.
Comment: This sequence change replaces leucine, which is neutral and non-polar, with proline, which is neutral and non-polar, at codon 268 of the MYBPC3 protein (p.Leu268Pro). This variant is not present in population databases (gnomAD no frequency). This variant has not been reported in the literature in individuals affected with MYBPC3-related conditions. ClinVar contains an entry for this variant (Variation ID: 3614373). An algorithm developed to predict the effect of missense changes on protein structure and function (PolyPhen-2) suggests that this variant is likely to be tolerated. In summary, the available evidence is currently insufficient to determine the role of this variant in disease. Therefore, it has been classified as a Variant of Uncertain Significance.

Ambry Genetics
Classification: Uncertain significance for Cardiovascular phenotype. Last evaluated: 2025-03-23. Review status: criteria provided, single submitter. Criteria: Ambry Variant Classification Scheme 2023. Collection method: clinical testing. Allele origin: germline.
Comment: The p.L268P variant (also known as c.803T>C), located in coding exon 7 of the MYBPC3 gene, results from a T to C substitution at nucleotide position 803. The leucine at codon 268 is replaced by proline, an amino acid with similar properties. This amino acid position is conserved. In addition, this alteration is predicted to be tolerated by in silico analysis. Based on the available evidence, the clinical significance of this variant remains unclear.